The following is an entry in ClinVar:

NM_014476.6(PDLIM3):c.40G>A (p.Gly14Ser)

Gene: PDLIM3 (PDZ and LIM domain 3; minus strand). Cytogenetic location: 4q35.1.
Variant type: single nucleotide variant.
Coding change: c.40G>A on transcript NM_014476.6 (MANE Select); coding-DNA position 40, G replaced by A.
Protein change: p.Gly14Ser; replaces glycine 14 with serine.
Molecular consequence: missense variant. On other transcripts: non-coding transcript variant (1).
Genome position (GRCh38, 1-based): chr4:185,535,395, C>T on the plus strand (G>A on the coding strand, the complement: PDLIM3 is on the minus strand). VCF-style: chr4-185535395-C-T. GRCh37 (hg19) VCF-style: chr4-186456549-C-T.
Other names: c.40G>A, p.Gly14Ser (NM_001114107.5, NM_001257962.2, NM_001257963.2); c.40G>A (NM_014476.4); short protein forms G14S.
Identifiers: ClinVar variation 836395 (VCV000836395.11), dbSNP rs150125560, ClinGen allele CA112059605.
Genomic context (GRCh38, chr4:185,535,395, plus strand): 5'-CACCTACCCTGGTGATGACCAAAGGCTGGTTGAAGTCTATGCCCCCTGAGAGCCTGAAGC[C>T]CCAGGGCGCAGGGCCCGGGAGGATCACCGTCTGGGGCATGCCGCCTTCCTCCCGCCCACC-3'
Protein context (NP_055291.2, residues 4-24): TVILPGPAPW[Gly14Ser]FRLSGGIDFN

ClinVar aggregate classification (germline): Uncertain significance. Review status: criteria provided, multiple submitters, no conflicts (2 of 4 stars). 2 submissions from 2 submitters: Uncertain significance (2). Last evaluated 2025-08-29.

Conditions:
Hypertrophic cardiomyopathy. Also called: HYPERTROPHIC MYOCARDIOPATHY. Identifiers: Orphanet 217569, MedGen C0007194, MeSH D002312, MONDO:0005045, HP:0001639.
Primary dilated cardiomyopathy (DCM). Also called: Dilated Cardiomyopathy. Identifiers: Orphanet 217604, MedGen C0007193, MeSH D002311, MONDO:0005021, HP:0001644. Inheritance: Various modes of inheritance.

Allele frequency attached by ClinVar (database versions not stated): gnomAD exomes 0.00001; gnomAD 0.00003; TOPMed 0.00005; ESP Exome Variant Server 0.00008.
gnomAD v4.1: 6 of 1,607,586 alleles (0.00037%); highest among the groups gnomAD compares: African/African-American, 0.0081%; no homozygotes.

Submissions (2):

Ambry Genetics
Classification: Uncertain significance. Last evaluated: 2025-08-29. Review status: criteria provided, single submitter. Criteria: Ambry Variant Classification Scheme 2023. Collection method: clinical testing. Allele origin: germline.

Labcorp Genetics (formerly Invitae), Labcorp
Classification: Uncertain significance for Hypertrophic cardiomyopathy; Primary dilated cardiomyopathy. Last evaluated: 2024-12-12. Review status: criteria provided, single submitter. Criteria: Invitae Variant Classification Sherloc (09022015). Collection method: clinical testing. Allele origin: germline.
Comment: This sequence change replaces glycine, which is neutral and non-polar, with serine, which is neutral and polar, at codon 14 of the PDLIM3 protein (p.Gly14Ser). This variant is present in population databases (rs150125560, gnomAD 0.009%). This variant has not been reported in the literature in individuals affected with PDLIM3-related conditions. ClinVar contains an entry for this variant (Variation ID: 836395). Invitae Evidence Modeling of protein sequence and biophysical properties (such as structural, functional, and spatial information, amino acid conservation, physicochemical variation, residue mobility, and thermodynamic stability) indicates that this missense variant is expected to disrupt PDLIM3 protein function with a positive predictive value of 80%. In summary, the available evidence is currently insufficient to determine the role of this variant in disease. Therefore, it has been classified as a Variant of Uncertain Significance.